The following is an entry in ClinVar:

NM_022552.5(DNMT3A):c.989G>C (p.Trp330Ser)

Gene: DNMT3A (DNA methyltransferase 3 alpha; minus strand). Cytogenetic location: 2p23.3.
Variant type: single nucleotide variant.
Coding change: c.989G>C on transcript NM_022552.5 (MANE Select); coding-DNA position 989, G replaced by C.
Protein change: p.Trp330Ser; replaces tryptophan 330 with serine.
Molecular consequence: missense variant. On other transcripts: non-coding transcript variant (1).
Genome position (GRCh38, 1-based): chr2:25,247,616, C>G on the plus strand (G>C on the coding strand, the complement: DNMT3A is on the minus strand). VCF-style: chr2-25247616-C-G. GRCh37 (hg19) VCF-style: chr2-25470485-C-G.
Other names: c.533G>C, p.Trp178Ser (NM_001320893.1); c.320G>C, p.Trp107Ser (NM_001375819.1); c.422G>C, p.Trp141Ser (NM_153759.3); c.989G>C, p.Trp330Ser (NM_175629.2); short protein forms W141S, W107S, W330S, W178S.
Identifiers: ClinVar variation 4995354 (VCV004995354.1).
Genomic context (GRCh38, chr2:25,247,616, plus strand): 5'-CCCACCCCAGGCTACTGCCAAACCCCACAACTTACCACTGAGAATTTGCCGTCTCCGAAC[C>G]ACATGACCCAGCGGGTGCCTTCAGCTGCTCGGCTCCGGCCCGTCATCCACCAAGACACAA-3'
Protein context (NP_072046.2, residues 320-340): RAAEGTRWVM[Trp330Ser]FGDGKFSVVC

ClinVar aggregate classification (germline): Uncertain significance (1 of 4 stars; one submission).

Conditions:
DNMT3A-related disorder. Also called: DNMT3A-related disorders; DNMT3A-related condition.

Submission:

PreventionGenetics, part of Exact Sciences
Classification: Uncertain significance for DNMT3A-related condition. Last evaluated: 2025-12-23. Review status: criteria provided, single submitter. Criteria: ACMG Guidelines, 2015. Collection method: clinical testing. Allele origin: germline.
Comment: The DNMT3A c.989G>C variant is predicted to result in the amino acid substitution p.Trp330Ser. To our knowledge, this variant has not been reported in the literature or in a large population database (gnomAD), indicating this variant is rare. Another variant affecting the same amino acid (p.W330R) was reported in two unrelated individuals with microcephalic dwarfism and functional studies of this variant suggested this variant alters DNMT3A PWWP domain function (Heyn et al. 2019. PubMed ID: 30478443). This alternate (p.W330R) variant was also reported in an individual with autism (Supplementary Data 3, Zhou et al. 2022. PubMed ID: 35982159). Although we suspect that this variant may be pathogenic, at this time, the clinical significance of this variant is uncertain due to the absence of conclusive functional and genetic evidence.